The following is an entry in ClinVar:

ClinVar aggregate classification (germline): Uncertain significance (1 of 4 stars; one submission).

Allele frequency attached by ClinVar (database versions not stated): gnomAD exomes below 0.00001; ExAC 0.00001.
gnomAD v4.1: 2 of 1,614,200 alleles (0.00012%); highest among the groups gnomAD compares: South Asian, 0.0011%; no homozygotes.

Submission:

Labcorp Genetics (formerly Invitae), Labcorp
Classification: Uncertain significance. Last evaluated: 2020-03-05. Review status: criteria provided, single submitter. Criteria: Invitae Variant Classification Sherloc (09022015). Collection method: clinical testing. Allele origin: germline.
Comment: In summary, the available evidence is currently insufficient to determine the role of this variant in disease. Therefore, it has been classified as a Variant of Uncertain Significance. Algorithms developed to predict the effect of missense changes on protein structure and function are either unavailable or do not agree on the potential impact of this missense change (SIFT: "Deleterious"; PolyPhen-2: "Probably Damaging"; Align-GVGD: "Class C0"). This variant has not been reported in the literature in individuals with SNRNP200-related conditions. This variant is present in population databases (rs759631586, ExAC 0.006%). This sequence change replaces arginine with tryptophan at codon 483 of the SNRNP200 protein (p.Arg483Trp). The arginine residue is highly conserved and there is a moderate physicochemical difference between arginine and tryptophan.

NM_014014.5(SNRNP200):c.1447C>T (p.Arg483Trp)

Gene: SNRNP200 (small nuclear ribonucleoprotein U5 subunit 200; minus strand). Cytogenetic location: 2q11.2.
Variant type: single nucleotide variant.
Coding change: c.1447C>T on transcript NM_014014.5 (MANE Select); coding-DNA position 1447, C replaced by T.
Protein change: p.Arg483Trp; replaces arginine 483 with tryptophan.
Molecular consequence: missense variant.
Genome position (GRCh38, 1-based): chr2:96,297,001, G>A on the plus strand (C>T on the coding strand, the complement: SNRNP200 is on the minus strand). VCF-style: chr2-96297001-G-A. GRCh37 (hg19) VCF-style: chr2-96962739-G-A.
Other names: short protein forms R483W.
Identifiers: ClinVar variation 1018312 (VCV001018312.8), dbSNP rs759631586, ClinGen allele CA1778933.